The following is an entry in ClinVar:

ClinVar aggregate classification (germline): Conflicting classifications of pathogenicity. Review status: criteria provided, conflicting classifications (1 of 4 stars). 5 submissions from 5 submitters: Likely pathogenic (2); Uncertain significance (2). 1 of the submissions does not count toward it. Last evaluated 2025-06-25.

Conditions:
Cystic fibrosis (CF). Also called: MUCOVISCIDOSIS. Identifiers: Orphanet 586, MedGen C0010674, MONDO:0009061, OMIM 219700. Disease mechanism: loss of function.

Allele frequency attached by ClinVar (database versions not stated): gnomAD exomes below 0.00001.
gnomAD v4.1: 1 of 1,602,462 alleles (0.000062%); highest among the groups gnomAD compares: Non-Finnish European, 0.000085%; no homozygotes.

Submissions (5):

Women's Health and Genetics/Laboratory Corporation of America, LabCorp
Classification: Likely pathogenic for Cystic fibrosis. Last evaluated: 2025-06-25. Review status: criteria provided, single submitter. Criteria: LabCorp Variant Classification Summary - May 2015. Collection method: clinical testing. Allele origin: germline.
Comment: Variant summary: CFTR c.276A>T (p.Glu92Asp) results in a conservative amino acid change located in the ABC transporter type 1, transmembrane domain (IPR011527) of the encoded protein sequence. Algorithms developed to predict the effect of missense changes on protein structure and function are either unavailable or do not agree on the potential impact of this missense change. Consensus agreement among computation tools predict no significant impact on normal splicing. However, these predictions have yet to be confirmed by functional studies. The variant was absent in 250778 control chromosomes. c.276A>T has been observed in at least two individuals affected with Cystic Fibrosis and Congenital bilateral absence of the vas deferens (Sickkids_database, internal data). These data indicate that the variant may be associated with disease. At least one publication reports experimental evidence evaluating an impact on protein function. The most pronounced variant effect results in 15% of normal activity (Ren_2013). At least one variant at the Glu92 residue has been reported as associated with disease (E92K), suggesting that this codon is functionally important. The following publications have been ascertained in the context of this evaluation (PMID: 25735457, 23924900, Sickkids_database). ClinVar contains an entry for this variant (Variation ID: 53564). Based on the evidence outlined above, the variant was classified as likely pathogenic.

Labcorp Genetics (formerly Invitae), Labcorp
Classification: Likely pathogenic for Cystic fibrosis. Last evaluated: 2025-06-04. Review status: criteria provided, single submitter. Criteria: Invitae Variant Classification Sherloc (09022015). Collection method: clinical testing. Allele origin: germline.
Comment: This sequence change replaces glutamic acid, which is acidic and polar, with aspartic acid, which is acidic and polar, at codon 92 of the CFTR protein (p.Glu92Asp). This variant is present in population databases (rs397508432, gnomAD 0.0009%). This missense change has been observed in individual(s) with clinical features of CFTR-related conditions (external communication). In at least one individual the data is consistent with being in trans (on the opposite chromosome) from a pathogenic variant. ClinVar contains an entry for this variant (Variation ID: 53564). An algorithm developed to predict the effect of missense changes on protein structure and function (PolyPhen-2) suggests that this variant is likely to be disruptive. Experimental studies have shown that this missense change affects CFTR function (PMID: 23924900). This variant disrupts the p.Glu92 amino acid residue in CFTR. Other variant(s) that disrupt this residue have been determined to be pathogenic (PMID: 10875853, 18178635, 23891399, 23924900). This suggests that this residue is clinically significant, and that variants that disrupt this residue are likely to be disease-causing. In summary, the currently available evidence indicates that the variant is pathogenic, but additional data are needed to prove that conclusively. Therefore, this variant has been classified as Likely Pathogenic.

Ambry Genetics
Classification: Uncertain significance for Cystic fibrosis. Last evaluated: 2025-01-14. Review status: criteria provided, single submitter. Criteria: Ambry Variant Classification Scheme 2023. Collection method: clinical testing. Allele origin: germline.
Comment: The p.E92D variant (also known as c.276A>T), located in coding exon 4 of the CFTR gene, results from an A to T substitution at nucleotide position 276. The glutamic acid at codon 92 is replaced by aspartic acid, an amino acid with highly similar properties. This variant was reported in one individual with milder, later onset of cystic fibrosis symptoms, including disseminated bronchiectasis and pancreatic insufficiency; this individual had two other CFTR variants detected with phase not determined (Girodon E et al. Cystic Fibrosis Mutation Database [database online] Toronto, ON, Canada: SickKids; 2004). This amino acid position is highly conserved in available vertebrate species. In addition, this alteration is predicted to be deleterious by in silico analysis. Based on the available evidence, the clinical significance of this variant remains unclear.

Genome-Nilou Lab
Classification: Uncertain significance for Cystic fibrosis. Last evaluated: 2021-09-05. Review status: criteria provided, single submitter. Criteria: ACMG Guidelines, 2015. Collection method: clinical testing. Allele origin: germline. Affected: no.

Natera, Inc.
Classification: Uncertain significance for Cystic Fibrosis. Last evaluated: 2020-09-16. Review status: no assertion criteria provided. Collection method: clinical testing. Allele origin: germline. Not counted in ClinVar's aggregate classification.

Literature cited by the submitters: PubMed 23924900 (cited by Women's Health and Genetics/Laboratory Corporation of America, LabCorp and Labcorp Genetics (formerly Invitae), Labcorp); PubMed 25735457 (cited by Women's Health and Genetics/Laboratory Corporation of America, LabCorp and Ambry Genetics); PubMed 10875853 (cited by Labcorp Genetics (formerly Invitae), Labcorp); PubMed 18178635 (cited by Labcorp Genetics (formerly Invitae), Labcorp); PubMed 23891399 (cited by Labcorp Genetics (formerly Invitae), Labcorp).

NM_000492.4(CFTR):c.276A>T (p.Glu92Asp)

Gene: CFTR (CF transmembrane conductance regulator; plus strand). Cytogenetic location: 7q31.2.
Variant type: single nucleotide variant.
Coding change: c.276A>T on transcript NM_000492.4 (MANE Select); coding-DNA position 276, A replaced by T.
Protein change: p.Glu92Asp; replaces glutamic acid 92 with aspartic acid.
Molecular consequence: missense variant.
Genome position (GRCh38, 1-based): chr7:117,530,901, A>T. VCF-style: chr7-117530901-A-T. GRCh37 (hg19) VCF-style: chr7-117170955-A-T.
Other names: short protein forms E92D.
Identifiers: ClinVar variation 53564 (VCV000053564.17), dbSNP rs397508432, ClinGen allele CA326921.